The following is an entry in ClinVar:

ClinVar aggregate classification (germline): Likely pathogenic (1 of 4 stars; one submission).

Allele frequency attached by ClinVar (database versions not stated): TOPMed 0.00001.

Submission:

Labcorp Genetics (formerly Invitae), Labcorp
Classification: Likely pathogenic. Last evaluated: 2023-11-24. Review status: criteria provided, single submitter. Criteria: Invitae Variant Classification Sherloc (09022015). Collection method: clinical testing. Allele origin: germline.
Comment: This sequence change affects an acceptor splice site in intron 2 of the AAAS gene. It is expected to disrupt RNA splicing. Variants that disrupt the donor or acceptor splice site typically lead to a loss of protein function (PMID: 16199547), and loss-of-function variants in AAAS are known to be pathogenic (PMID: 11159947). This variant is not present in population databases (gnomAD no frequency). This variant has not been reported in the literature in individuals affected with AAAS-related conditions. Algorithms developed to predict the effect of sequence changes on RNA splicing suggest that this variant may disrupt the consensus splice site. In summary, the currently available evidence indicates that the variant is pathogenic, but additional data are needed to prove that conclusively. Therefore, this variant has been classified as Likely Pathogenic.

Literature cited by the submitters: PubMed 16199547; PubMed 11159947.

NM_015665.6(AAAS):c.252-2A>C

Gene: AAAS (aladin WD repeat nucleoporin; minus strand). Cytogenetic location: 12q13.13.
Variant type: single nucleotide variant.
Coding change: c.252-2A>C on transcript NM_015665.6 (MANE Select); the canonical splice acceptor site of the intron before coding-DNA position 252, A replaced by C.
Molecular consequence: splice acceptor variant.
Genome position (GRCh38, 1-based): chr12:53,315,784, T>G on the plus strand (A>C on the coding strand, the complement: AAAS is on the minus strand). VCF-style: chr12-53315784-T-G. GRCh37 (hg19) VCF-style: chr12-53709568-T-G.
Other names: c.252-2A>C (NM_001173466.2).
Identifiers: ClinVar variation 2728143 (VCV002728143.3), dbSNP rs1056645432, ClinGen allele CA237336450.
Genomic context (GRCh38, chr12:53,315,784, plus strand): 5'-TACCCTCTTCTTCTGAGTTTGCAATTTCATTTAGCACCCCAAAAAGGCCCACATCACGCC[T>G]GATAAGGGAGGAAAATGTGGGTCAGCTTACTCTGATCCCCTCTGTCCCTCTCTACCAGTT-3'